The following is an entry in ClinVar:

ClinVar aggregate classification (germline): Uncertain significance (1 of 4 stars; one submission).

Submission:

Labcorp Genetics (formerly Invitae), Labcorp
Classification: Uncertain significance. Last evaluated: 2020-06-17. Review status: criteria provided, single submitter. Criteria: Invitae Variant Classification Sherloc (09022015). Collection method: clinical testing. Allele origin: germline.
Comment: This sequence change replaces glutamic acid with aspartic acid at codon 336 of the CTNNA1 protein (p.Glu336Asp). The glutamic acid residue is highly conserved and there is a small physicochemical difference between glutamic acid and aspartic acid. This variant is not present in population databases (ExAC no frequency). This variant has not been reported in the literature in individuals with CTNNA1-related conditions. Algorithms developed to predict the effect of missense changes on protein structure and function are either unavailable or do not agree on the potential impact of this missense change (SIFT: "Deleterious"; PolyPhen-2: "Probably Damaging"; Align-GVGD: "Class C0"). In summary, the available evidence is currently insufficient to determine the role of this variant in disease. Therefore, it has been classified as a Variant of Uncertain Significance.

NM_001903.5(CTNNA1):c.1008G>C (p.Glu336Asp)

Gene: CTNNA1 (catenin alpha 1; plus strand). Cytogenetic location: 5q31.2.
Variant type: single nucleotide variant.
Coding change: c.1008G>C on transcript NM_001903.5 (MANE Select); coding-DNA position 1008, G replaced by C.
Protein change: p.Glu336Asp; replaces glutamic acid 336 with aspartic acid.
Molecular consequence: missense variant.
Genome position (GRCh38, 1-based): chr5:138,827,664, G>C. VCF-style: chr5-138827664-G-C. GRCh37 (hg19) VCF-style: chr5-138163353-G-C.
Other names: c.1008G>C, p.Glu336Asp (NM_001290307.3, NM_001323982.2, NM_001323983.1 and 3 more transcripts); c.699G>C, p.Glu233Asp (NM_001290309.3); c.639G>C, p.Glu213Asp (NM_001290310.3); short protein forms E213D, E233D, E336D.
Identifiers: ClinVar variation 1021082 (VCV001021082.8), dbSNP rs1760856291, ClinGen allele CA361131147.
Genomic context (GRCh38, chr5:138,827,664, plus strand): 5'-TGCCTTGATGGCCGACTCGTCCTGCACGCGTGATGACCGTCGTGAGCGAATTGTGGCAGA[G>C]TGTAATGCTGTCCGCCAGGCCCTGCAGGACCTGCTTTCGGAGTACATGGGCAATGTGAGT-3'
Protein context (NP_001894.2, residues 326-346): RDDRRERIVA[Glu336Asp]CNAVRQALQD